The following is an entry in ClinVar:

ClinVar aggregate classification (germline): Uncertain significance (1 of 4 stars; one submission).

gnomAD v4.1: 2 of 151,888 alleles (0.0013%); highest among the groups gnomAD compares: African/African-American, 0.0048%; no homozygotes.

Submission:

Greenwood Genetic Center Diagnostic Laboratories, Greenwood Genetic Center
Classification: Uncertain significance. Last evaluated: 2025-01-07. Review status: criteria provided, single submitter. Criteria: ACMG Guidelines, 2015. Collection method: clinical testing. Allele origin: germline.
Comment: PM2, PM3_Supporting, BP4

NM_000341.4(SLC3A1):c.1618-2697T>A

Gene: SLC3A1 (solute carrier family 3 member 1; plus strand). Cytogenetic location: 2p21.
Variant type: single nucleotide variant.
Coding change: c.1618-2697T>A on transcript NM_000341.4 (MANE Select); 2697 bases into the intron before coding-DNA position 1618, T replaced by A.
Molecular consequence: intron variant.
Genome position (GRCh38, 1-based): chr2:44,317,502, T>A. VCF-style: chr2-44317502-T-A. GRCh37 (hg19) VCF-style: chr2-44544641-T-A.
Identifiers: ClinVar variation 4851738 (VCV004851738.1).